The following is an entry in ClinVar:

ClinVar aggregate classification (germline): Uncertain significance (1 of 4 stars; one submission).

Conditions:
Pheochromocytoma/paraganglioma syndrome 4. Also called: PARAGANGLIOMA, FAMILIAL MALIGNANT; PARAGANGLIOMAS, HEREDITARY EXTRAADRENAL; PHEOCHROMOCYTOMA, FAMILIAL EXTRAADRENAL; Paragangliomas 4; CAROTID BODY TUMORS AND MULTIPLE EXTRAADRENAL PHEOCHROMOCYTOMAS; SDHB-Related Hereditary Paraganglioma-Pheochromocytoma Syndrome (Paragangliomas 4). Identifiers: Orphanet 29072, MedGen C1861848, MONDO:0007273, OMIM 115310.
Gastrointestinal stromal tumor. Also called: Gastrointestinal stroma tumor; Gastrointestinal stromal tumor, somatic. Identifiers: Orphanet 44890, MedGen C0238198, MeSH D046152, MONDO:0011719, OMIM 606764, HP:0100723.
Pheochromocytoma. Also called: MAX-Related Hereditary Paraganglioma-Pheochromocytoma Syndrome. Identifiers: Orphanet 29072, MedGen C0031511, MONDO:0008233, OMIM 171300, HP:0002666.

gnomAD v4.1: 2 of 1,610,732 alleles (0.00012%); highest among the groups gnomAD compares: Non-Finnish European, 0.00017%; no homozygotes.

Submission:

Labcorp Genetics (formerly Invitae), Labcorp
Classification: Uncertain significance for Gastrointestinal stromal tumor; Pheochromocytoma/paraganglioma syndrome 4; Pheochromocytoma. Last evaluated: 2023-09-15. Review status: criteria provided, single submitter. Criteria: Invitae Variant Classification Sherloc (09022015). Collection method: clinical testing. Allele origin: germline.
Comment: This sequence change replaces valine, which is neutral and non-polar, with leucine, which is neutral and non-polar, at codon 5 of the SDHB protein (p.Val5Leu). This variant is not present in population databases (gnomAD no frequency). This variant has not been reported in the literature in individuals affected with SDHB-related conditions. ClinVar contains an entry for this variant (Variation ID: 412489). Advanced modeling of protein sequence and biophysical properties (such as structural, functional, and spatial information, amino acid conservation, physicochemical variation, residue mobility, and thermodynamic stability) performed at Invitae indicates that this missense variant is not expected to disrupt SDHB protein function. In summary, the available evidence is currently insufficient to determine the role of this variant in disease. Therefore, it has been classified as a Variant of Uncertain Significance.

NM_003000.3(SDHB):c.13G>C (p.Val5Leu)

Gene: SDHB (succinate dehydrogenase complex iron sulfur subunit B; minus strand). Cytogenetic location: 1p36.13.
Variant type: single nucleotide variant.
Coding change: c.13G>C on transcript NM_003000.3 (MANE Select); coding-DNA position 13, G replaced by C.
Protein change: p.Val5Leu; replaces valine 5 with leucine.
Molecular consequence: missense variant.
Genome position (GRCh38, 1-based): chr1:17,054,007, C>G on the plus strand (G>C on the coding strand, the complement: SDHB is on the minus strand). VCF-style: chr1-17054007-C-G. GRCh37 (hg19) VCF-style: chr1-17380502-C-G.
Other names: short protein forms V5L.
Identifiers: ClinVar variation 412489 (VCV000412489.6), dbSNP rs962717797, ClinGen allele CA16609945.